The following is an entry in ClinVar:

NM_006421.5(ARFGEF1):c.3013A>G (p.Arg1005Gly)

Gene: ARFGEF1 (ARF guanine nucleotide exchange factor 1; minus strand). Cytogenetic location: 8q13.2.
Variant type: single nucleotide variant.
Coding change: c.3013A>G on transcript NM_006421.5 (MANE Select); coding-DNA position 3013, A replaced by G.
Protein change: p.Arg1005Gly; replaces arginine 1005 with glycine.
Molecular consequence: missense variant. On other transcripts: non-coding transcript variant (1).
Genome position (GRCh38, 1-based): chr8:67,238,860, T>C on the plus strand (A>G on the coding strand, the complement: ARFGEF1 is on the minus strand). VCF-style: chr8-67238860-T-C. GRCh37 (hg19) VCF-style: chr8-68151095-T-C.
Other names: c.3013A>G, p.Arg1005Gly (NM_001413184.1, NM_001413185.1, NM_001413186.1 and 6 more transcripts); c.2413A>G, p.Arg805Gly (NM_001413188.1, NM_001413193.1, NM_001413197.1); c.3007A>G, p.Arg1003Gly (NM_001413190.1); c.1588A>G, p.Arg530Gly (NM_001413196.1); short protein forms R1003G, R1005G, R530G, R805G.
Identifiers: ClinVar variation 4891210 (VCV004891210.1).

ClinVar aggregate classification (germline): Uncertain significance (1 of 4 stars; one submission).

Submission:

Greenwood Genetic Center Diagnostic Laboratories, Greenwood Genetic Center
Classification: Uncertain significance. Last evaluated: 2026-04-10. Review status: criteria provided, single submitter. Criteria: ACMG Guidelines, 2015. Collection method: clinical testing. Allele origin: germline.
Comment: PM2, PP2, PP3